The following is an entry in ClinVar:

ClinVar aggregate classification (germline): Likely pathogenic (1 of 4 stars; one submission).

Conditions:
Cardiovascular phenotype. Identifiers: MedGen CN230736.
Hereditary cancer-predisposing syndrome. Also called: Neoplastic Syndromes, Hereditary; Tumor predisposition; Hereditary Cancer Syndrome; Hereditary neoplastic syndrome. Identifiers: Orphanet 140162, MedGen C0027672, MeSH D009386, MONDO:0015356.

Submission:

Ambry Genetics
Classification: Likely pathogenic for Cardiovascular phenotype; Hereditary cancer-predisposing syndrome. Last evaluated: 2026-06-09. Review status: criteria provided, single submitter. Criteria: Ambry Variant Classification Scheme 2023. Collection method: clinical testing. Allele origin: germline.
Comment: The c.7000-21_7000-20insAlu variant results from the insertion of an Alu element between nucleotides 7000-21 and 7000-20 before coding exon 47 of the NF1 gene. This variant was reported in individual(s) with features consistent with neurofibromatosis type 1 (Ambry internal data). Mobile element insertions contribute to pathogenicity by either disrupting the coding sequence or inducing aberrant splicing (Belancio VP et al. Semin. Cancer Biol. 2010 Aug;20:200-10; Deininger P et al. Genome Biol. 2011 Dec;12:236; van der Klift HM Hum Mutat. 2012 Jul;33(7):1051-5). In silico splice site analysis predicts that this alteration will weaken the native splice acceptor site. RNA studies have demonstrated that this alteration results in abnormal splicing in the set of samples tested (Ambry internal data). This variant is considered to be rare based on population cohorts in the Genome Aggregation Database (gnomAD). Based on the majority of available evidence to date, this variant is likely to be pathogenic.

NM_000267.3:c.7000-21_7000-20insALU

Gene: NF1 (neurofibromin 1; plus strand).
Variant type: Insertion.
Identifiers: ClinVar variation 3404740 (VCV003404740.3).